The following is an entry in ClinVar:

NM_000051.4(ATM):c.8049A>G (p.Ile2683Met)

Genes: ATM (ATM serine/threonine kinase; plus strand), C11orf65 (chromosome 11 open reading frame 65; minus strand). Cytogenetic location: 11q22.3.
Variant type: single nucleotide variant.
Coding change: c.8049A>G on transcript NM_000051.4 (MANE Select); coding-DNA position 8049, A replaced by G.
Protein change: p.Ile2683Met; replaces isoleucine 2683 with methionine.
Molecular consequence: missense variant. On other transcripts: intron variant (2).
Genome position (GRCh38, 1-based): chr11:108,335,007, A>G. VCF-style: chr11-108335007-A-G. GRCh37 (hg19) VCF-style: chr11-108205734-A-G.
Other names: c.8049A>G, p.Ile2683Met (NM_001351834.2); c.641-25936T>C (NM_001330368.2); c.*38+213T>C (NM_001351110.2); short protein forms I2683M.
Identifiers: ClinVar variation 524250 (VCV000524250.7), dbSNP rs1292192410, ClinGen allele CA382561917.
Genomic context (GRCh38, chr11:108,335,007, plus strand): 5'-ATCATGTTTATACTTTTATTAGGTGGACCACACAGGAGAATATGGAAATCTGGTGACTAT[A>G]CAGTCATTTAAAGCAGAATTTCGCTTAGCAGGAGGTGTAAATTTACCAAAAATAATAGAT-3'
Protein context (NP_000042.3, residues 2673-2693): HTGEYGNLVT[Ile2683Met]QSFKAEFRLA

ClinVar aggregate classification (germline): Uncertain significance (1 of 4 stars; one submission).

Conditions:
Ataxia-telangiectasia syndrome (AT). Also called: Cerebello-oculocutaneous telangiectasia; Immunodeficiency with ataxia telangiectasia; Ataxia-telangiectasia, complementation group E; Ataxia-telangiectasia, complementation group D; AT, COMPLEMENTATION GROUP C; ATAXIA-TELANGIECTASIA, COMPLEMENTATION GROUP A. Identifiers: Orphanet 100, MedGen C0004135, MONDO:0008840, OMIM 208900.

Allele frequency attached by ClinVar (database versions not stated): gnomAD exomes below 0.00001.
gnomAD v4.1: 1 of 1,613,758 alleles (0.000062%); highest among the groups gnomAD compares: Admixed American, 0.0017%; no homozygotes.

Submission:

Labcorp Genetics (formerly Invitae), Labcorp
Classification: Uncertain significance for Ataxia-telangiectasia syndrome. Last evaluated: 2025-10-13. Review status: criteria provided, single submitter. Criteria: Invitae Variant Classification Sherloc (09022015). Collection method: clinical testing. Allele origin: germline.
Comment: This sequence change replaces isoleucine, which is neutral and non-polar, with methionine, which is neutral and non-polar, at codon 2683 of the ATM protein (p.Ile2683Met). This variant is present in population databases (no rsID available, gnomAD 0.003%). This variant has not been reported in the literature in individuals affected with ATM-related conditions. ClinVar contains an entry for this variant (Variation ID: 524250). Invitae Evidence Modeling of protein sequence and biophysical properties (such as structural, functional, and spatial information, amino acid conservation, physicochemical variation, residue mobility, and thermodynamic stability) indicates that this missense variant is not expected to disrupt ATM protein function with a negative predictive value of 95%. In summary, the available evidence is currently insufficient to determine the role of this variant in disease. Therefore, it has been classified as a Variant of Uncertain Significance.